The following is an entry in ClinVar:

ClinVar aggregate classification (germline): Uncertain significance (1 of 4 stars; one submission).

Submission:

GeneDx
Classification: Uncertain significance. Last evaluated: 2024-12-08. Review status: criteria provided, single submitter. Criteria: GeneDx Variant Classification Process June 2021. Collection method: clinical testing. Allele origin: germline. Affected: yes.
Comment: Not observed at significant frequency in large population cohorts (gnomAD); In silico analysis supports that this missense variant has a deleterious effect on protein structure/function; Missense variant in a gene in which most reported pathogenic variants are truncating/loss of function; Has not been previously published as pathogenic or benign to our knowledge

NM_015443.4(KANSL1):c.2563A>G (p.Arg855Gly)

Gene: KANSL1 (KAT8 regulatory NSL complex subunit 1). Cytogenetic location: 17q21.31.
Variant type: single nucleotide variant.
Coding change: c.2563A>G on transcript NM_015443.4 (MANE Select); coding-DNA position 2563, A replaced by G.
Protein change: p.Arg855Gly; replaces arginine 855 with glycine.
Molecular consequence: missense variant.
Genome position (GRCh38, 1-based): chr17:46,034,264, T>C on the plus strand (A>G on the coding strand, the complement: KANSL1 is on the minus strand). VCF-style: chr17-46034264-T-C. GRCh37 (hg19) VCF-style: chr17-44111630-T-C.
Other names: c.2560A>G, p.Arg854Gly (NM_001193465.2, NM_001405856.1, NM_001405857.1 and 1 more transcripts); c.2563A>G, p.Arg855Gly (NM_001193466.2, NM_001379198.1, NM_001405854.1 and 4 more transcripts); c.2461A>G, p.Arg821Gly (NM_001405859.1, NM_001405860.1); c.2458A>G, p.Arg820Gly (NM_001405861.1, NM_001405881.1); c.2374A>G, p.Arg792Gly (NM_001405875.1, NM_001405876.1, NM_001405877.1 and 1 more transcripts); c.2371A>G, p.Arg791Gly (NM_001405879.1, NM_001405880.1); c.1297A>G, p.Arg433Gly (NM_001405882.1); c.1294A>G, p.Arg432Gly (NM_001405883.1); and 2 more; short protein forms R369G, R370G, R432G, R433G, R791G, R792G, R820G, R821G.
Identifiers: ClinVar variation 3901421 (VCV003901421.1).